The following is an entry in ClinVar:

ClinVar aggregate classification (germline): Uncertain significance (1 of 4 stars; one submission).

Conditions:
Inborn genetic diseases. Identifiers: MedGen C0950123, MeSH D030342.

gnomAD v4.1: 2 of 1,612,672 alleles (0.00012%); highest among the groups gnomAD compares: Non-Finnish European, 0.00017%; no homozygotes.

Submission:

Ambry Genetics
Classification: Uncertain significance for Inborn genetic diseases. Last evaluated: 2024-01-27. Review status: criteria provided, single submitter. Criteria: Ambry Variant Classification Scheme 2023. Collection method: clinical testing. Allele origin: germline.
Comment: The p.K947T variant (also known as c.2840A>C), located in coding exon 28 of the RTEL1 gene, results from an A to C substitution at nucleotide position 2840. The lysine at codon 947 is replaced by threonine, an amino acid with similar properties. This amino acid position is conserved. In addition, this alteration is predicted to be tolerated by in silico analysis. Based on the available evidence, the clinical significance of this alteration remains unclear.

NM_001283009.2(RTEL1):c.2768A>C (p.Lys923Thr)

Genes: RTEL1 (regulator of telomere elongation helicase 1; plus strand), RTEL1-TNFRSF6B (RTEL1-TNFRSF6B readthrough (NMD candidate); plus strand). Cytogenetic location: 20q13.33.
Variant type: single nucleotide variant.
Coding change: c.2768A>C on transcript NM_001283009.2 (MANE Select); coding-DNA position 2768, A replaced by C.
Protein change: p.Lys923Thr; replaces lysine 923 with threonine.
Molecular consequence: missense variant. On other transcripts: non-coding transcript variant (1).
Genome position (GRCh38, 1-based): chr20:63,692,920, A>C. VCF-style: chr20-63692920-A-C. GRCh37 (hg19) VCF-style: chr20-62324273-A-C.
Other names: c.2099A>C, p.Lys700Thr (NM_001283010.1); c.2768A>C, p.Lys923Thr (NM_016434.4); c.2840A>C, p.Lys947Thr (NM_032957.5); short protein forms K700T, K923T, K947T.
Identifiers: ClinVar variation 3228186 (VCV003228186.1), dbSNP rs1010291129, ClinGen allele CA409683005.